The following is an entry in ClinVar:

NM_000548.5(TSC2):c.1606G>A (p.Ala536Thr)

Gene: TSC2 (TSC complex subunit 2; plus strand). Cytogenetic location: 16p13.3.
Variant type: single nucleotide variant.
Coding change: c.1606G>A on transcript NM_000548.5 (MANE Select); coding-DNA position 1606, G replaced by A.
Protein change: p.Ala536Thr; replaces alanine 536 with threonine.
Molecular consequence: missense variant.
Genome position (GRCh38, 1-based): chr16:2,065,525, G>A. VCF-style: chr16-2065525-G-A. GRCh37 (hg19) VCF-style: chr16-2115526-G-A.
Other names: c.1606G>A, p.Ala536Thr (NM_001077183.3, NM_001114382.3, NM_001363528.2 and 6 more transcripts); c.1495G>A, p.Ala499Thr (NM_001318827.2, NM_001406670.1, NM_001406678.1); c.1459G>A, p.Ala487Thr (NM_001318829.2, NM_001406675.1, NM_001406676.1 and 1 more transcripts); c.1006G>A, p.Ala336Thr (NM_001318831.2, NM_001406682.1, NM_001406683.1 and 6 more transcripts); c.1639G>A, p.Ala547Thr (NM_001318832.2); c.1696G>A, p.Ala566Thr (NM_001406667.1, NM_001406668.1); c.262G>A, p.Ala88Thr (NM_001406689.1, NM_001406690.1, NM_001406691.1 and 6 more transcripts); c.4G>A, p.Ala2Thr (NM_001406698.1); and 3 more; short protein forms A487T, A532T, A536T, A566T, A336T, A517T, A547T, A2T.
Identifiers: ClinVar variation 1928404 (VCV001928404.6), dbSNP rs2087223499, ClinGen allele CA394267571.

ClinVar aggregate classification (germline): Uncertain significance. Review status: criteria provided, multiple submitters, no conflicts (2 of 4 stars). 2 submissions from 2 submitters: Uncertain significance (2). Last evaluated 2025-05-30.

Conditions:
Tuberous sclerosis 2 (TSC2). Identifiers: Orphanet 805, MedGen C1860707, MONDO:0013199, OMIM 613254.

Allele frequency attached by ClinVar (database versions not stated): TOPMed below 0.00001.

Submissions (2):

Quest Diagnostics Nichols Institute San Juan Capistrano
Classification: Uncertain significance. Last evaluated: 2025-05-30. Review status: criteria provided, single submitter. Criteria: Quest Diagnostics criteria. Collection method: clinical testing. Allele origin: unknown.

Labcorp Genetics (formerly Invitae), Labcorp
Classification: Uncertain significance for Tuberous sclerosis 2. Last evaluated: 2022-05-04. Review status: criteria provided, single submitter. Criteria: Invitae Variant Classification Sherloc (09022015). Collection method: clinical testing. Allele origin: germline.
Comment: This variant is not present in population databases (gnomAD no frequency). In summary, the available evidence is currently insufficient to determine the role of this variant in disease. Therefore, it has been classified as a Variant of Uncertain Significance. Advanced modeling of protein sequence and biophysical properties (such as structural, functional, and spatial information, amino acid conservation, physicochemical variation, residue mobility, and thermodynamic stability) performed at Invitae indicates that this missense variant is not expected to disrupt TSC2 protein function. This variant has not been reported in the literature in individuals affected with TSC2-related conditions. This sequence change replaces alanine, which is neutral and non-polar, with threonine, which is neutral and polar, at codon 536 of the TSC2 protein (p.Ala536Thr).